The following is an entry in ClinVar:

ClinVar aggregate classification (germline): Uncertain significance (1 of 4 stars; one submission).

Conditions:
Peroxisome biogenesis disorder, complementation group 7 (CG7). Also called: Peroxisome biogenesis disorder, complementation group B. Identifiers: MedGen C1864399.

Submission:

Labcorp Genetics (formerly Invitae), Labcorp
Classification: Uncertain significance for Peroxisome biogenesis disorder, complementation group 7. Last evaluated: 2021-09-01. Review status: criteria provided, single submitter. Criteria: Invitae Variant Classification Sherloc (09022015). Collection method: clinical testing. Allele origin: germline.
Comment: This sequence change replaces leucine with methionine at codon 250 of the PEX10 protein (p.Leu250Met). The leucine residue is moderately conserved and there is a small physicochemical difference between leucine and methionine. This variant is not present in population databases (ExAC no frequency). This variant has not been reported in the literature in individuals affected with PEX10-related conditions. Algorithms developed to predict the effect of missense changes on protein structure and function are either unavailable or do not agree on the potential impact of this missense change (SIFT: "Tolerated"; PolyPhen-2: "Probably Damaging"; Align-GVGD: "Class C0"). In summary, the available evidence is currently insufficient to determine the role of this variant in disease. Therefore, it has been classified as a Variant of Uncertain Significance.

NM_002617.4(PEX10):c.688C>A (p.Leu230Met)

Gene: PEX10 (peroxisomal biogenesis factor 10; minus strand). Cytogenetic location: 1p36.32.
Variant type: single nucleotide variant.
Coding change: c.688C>A on transcript NM_002617.4 (MANE Select); coding-DNA position 688, C replaced by A.
Protein change: p.Leu230Met; replaces leucine 230 with methionine.
Molecular consequence: missense variant. On other transcripts: non-coding transcript variant (1).
Genome position (GRCh38, 1-based): chr1:2,406,808, G>T on the plus strand (C>A on the coding strand, the complement: PEX10 is on the minus strand). VCF-style: chr1-2406808-G-T. GRCh37 (hg19) VCF-style: chr1-2338247-G-T.
Other names: c.745C>A, p.Leu249Met (NM_001374425.1); c.313C>A, p.Leu105Met (NM_001374426.1); c.256C>A, p.Leu86Met (NM_001374427.1); c.748C>A, p.Leu250Met (NM_153818.2); short protein forms L249M, L86M, L105M, L250M, L230M.
Identifiers: ClinVar variation 1348130 (VCV001348130.5), dbSNP rs1208421193, ClinGen allele CA337985433.